The following is an entry in ClinVar:

ClinVar aggregate classification (germline): Conflicting classifications of pathogenicity. Review status: criteria provided, conflicting classifications (1 of 4 stars). 10 submissions from 9 submitters: Uncertain significance (2); Benign (1); Likely benign (5). 2 of the submissions do not count toward it. Last evaluated 2026-09-01.

Conditions:
Cardiovascular phenotype. Identifiers: MedGen CN230736.
Autosomal dominant nonsyndromic hearing loss 10. Identifiers: Orphanet 90635, MedGen C1832476, MONDO:0011031, OMIM 601316.
Dilated cardiomyopathy 1J (CMD1J). Also called: CARDIOMYOPATHY, DILATED, WITH SENSORINEURAL HEARING LOSS, AUTOSOMAL DOMINANT. Identifiers: Orphanet 217622, MedGen C1854368, MONDO:0011541, OMIM 605362.

Allele frequency attached by ClinVar (database versions not stated): gnomAD 0.00001; gnomAD exomes 0.00003 and 0.00006; TOPMed 0.00003.
gnomAD v4.1: 44 of 1,612,856 alleles (0.0027%); highest among the groups gnomAD compares: Admixed American, 0.027%; no homozygotes.

Submissions (10):

CeGaT Center for Human Genetics Tuebingen
Classification: Likely benign. Last evaluated: 2026-09-01. Review status: criteria provided, single submitter. Criteria: CeGaT Center For Human Genetics Tuebingen Variant Classification Criteria Version 2. Collection method: clinical testing. Allele origin: germline. Affected: yes. Observed: 1 variant allele.
Comment: EYA4: BP4, BP7

Labcorp Genetics (formerly Invitae), Labcorp
Classification: Likely benign for Dilated cardiomyopathy 1J. Last evaluated: 2025-12-09. Review status: criteria provided, single submitter. Criteria: Invitae Variant Classification Sherloc (09022015). Collection method: clinical testing. Allele origin: germline.

Women's Health and Genetics/Laboratory Corporation of America, LabCorp
Classification: Benign. Last evaluated: 2025-09-09. Review status: criteria provided, single submitter. Criteria: LabCorp Variant Classification Summary - May 2015. Collection method: clinical testing. Allele origin: germline.

Blueprint Genetics
Classification: Likely benign. Last evaluated: 2023-12-27. Review status: criteria provided, single submitter. Criteria: ACMG Guidelines, 2015. Collection method: clinical testing. Allele origin: germline.

ARUP Laboratories, Molecular Genetics and Genomics, ARUP Laboratories
Classification: Likely benign. Last evaluated: 2019-08-30. Review status: criteria provided, single submitter. Criteria: ARUP Molecular Germline Variant Investigation Process. Collection method: clinical testing. Allele origin: germline.

Illumina Laboratory Services, Illumina
Classification: Uncertain significance for Dilated cardiomyopathy 1J. Last evaluated: 2018-01-13. Review status: criteria provided, single submitter. Criteria: ICSL Variant Classification Criteria 13 December 2019. Collection method: clinical testing. Allele origin: germline.

Illumina Laboratory Services, Illumina
Classification: Uncertain significance for Autosomal dominant nonsyndromic hearing loss 10. Last evaluated: 2018-01-13. Review status: criteria provided, single submitter. Criteria: ICSL Variant Classification Criteria 13 December 2019. Collection method: clinical testing. Allele origin: germline.

Ambry Genetics
Classification: Likely benign for Cardiovascular phenotype. Last evaluated: 2016-08-25. Review status: criteria provided, single submitter. Criteria: Ambry Variant Classification Scheme 2023. Collection method: clinical testing. Allele origin: germline.

Clinical Genetics DNA and cytogenetics Diagnostics Lab, Erasmus MC, Erasmus Medical Center
Classification: Likely benign. Review status: no assertion criteria provided. Collection method: clinical testing. Allele origin: germline. Affected: yes. Study: VKGL Data-share Consensus. Not counted in ClinVar's aggregate classification.

Diagnostic Laboratory, Department of Genetics, University Medical Center Groningen
Classification: Likely benign. Review status: no assertion criteria provided. Collection method: clinical testing. Allele origin: germline. Affected: yes. Study: VKGL Data-share Consensus. Not counted in ClinVar's aggregate classification.

NM_004100.5(EYA4):c.888G>A (p.Ser296=)

Gene: EYA4 (EYA transcriptional coactivator and phosphatase 4; plus strand). Cytogenetic location: 6q23.2.
Variant type: single nucleotide variant.
Coding change: c.888G>A on transcript NM_004100.5 (MANE Select); coding-DNA position 888, G replaced by A.
Protein change: p.Ser296=; no amino-acid change (serine 296 retained).
Molecular consequence: synonymous variant.
Genome position (GRCh38, 1-based): chr6:133,468,649, G>A. VCF-style: chr6-133468649-G-A. GRCh37 (hg19) VCF-style: chr6-133789787-G-A.
Other names: c.726G>A, p.Ser242= (NM_001301012.2, NM_001370459.1); c.888G>A, p.Ser296= (NM_001301013.2, NM_172105.4); c.819G>A, p.Ser273= (NM_001370458.1, NM_172103.4).
Identifiers: ClinVar variation 355444 (VCV000355444.30), dbSNP rs768010410, ClinGen allele CA4008180.